The following is an entry in ClinVar:

ClinVar aggregate classification (germline): Pathogenic/Likely pathogenic. Review status: criteria provided, multiple submitters, no conflicts (2 of 4 stars). 2 submissions from 2 submitters: Pathogenic (1); Likely pathogenic (1). Last evaluated 2025-04-18.

Conditions:
Corneal dystrophy-perceptive deafness syndrome (CDPD). Also called: HARBOYAN SYNDROME; CORNEAL DYSTROPHY AND SENSORINEURAL DEAFNESS. Identifiers: Orphanet 1490, MedGen C1857572, MONDO:0009015, OMIM 217400.

Allele frequency attached by ClinVar (database versions not stated): gnomAD exomes below 0.00001.

Submissions (2):

Natera, Inc.
Classification: Likely pathogenic for Corneal dystrophy-perceptive deafness syndrome. Last evaluated: 2025-04-18. Review status: criteria provided, single submitter. Criteria: Natera Variant Classification Schema (03/2026). Collection method: clinical testing. Allele origin: germline.
Comment: The c.1777C>T variant in SLC4A11 is a nonsense variant predicted to introduce a stop codon at amino acid 593. This variant is expected to result in nonsense mediated decay, truncation, or a dysfunctional protein product. This variant is rare in the general population with a frequency below the threshold expected for the associated phenotype(s). Given the available evidence, this variant is classified as Likely Pathogenic.

Labcorp Genetics (formerly Invitae), Labcorp
Classification: Pathogenic. Last evaluated: 2023-10-10. Review status: criteria provided, single submitter. Criteria: Invitae Variant Classification Sherloc (09022015). Collection method: clinical testing. Allele origin: germline.
Comment: This sequence change creates a premature translational stop signal (p.Gln593*) in the SLC4A11 gene. It is expected to result in an absent or disrupted protein product. Loss-of-function variants in SLC4A11 are known to be pathogenic (PMID: 17220209, 17679935). This variant is not present in population databases (gnomAD no frequency). This variant has not been reported in the literature in individuals affected with SLC4A11-related conditions. ClinVar contains an entry for this variant (Variation ID: 960560). For these reasons, this variant has been classified as Pathogenic.

Literature cited by the submitters: PubMed 17220209 (cited by Labcorp Genetics (formerly Invitae), Labcorp); PubMed 17679935 (cited by Labcorp Genetics (formerly Invitae), Labcorp).

NM_001174089.2(SLC4A11):c.1729C>T (p.Gln577Ter)

Gene: SLC4A11 (solute carrier family 4 member 11; minus strand). Cytogenetic location: 20p13.
Variant type: single nucleotide variant.
Coding change: c.1729C>T on transcript NM_001174089.2 (MANE Select); coding-DNA position 1729, C replaced by T.
Protein change: p.Gln577Ter; replaces glutamine 577 with a stop codon.
Molecular consequence: nonsense. On other transcripts: non-coding transcript variant (1).
Genome position (GRCh38, 1-based): chr20:3,229,537, G>A on the plus strand (C>T on the coding strand, the complement: SLC4A11 is on the minus strand). VCF-style: chr20-3229537-G-A. GRCh37 (hg19) VCF-style: chr20-3210183-G-A.
Other names: c.1858C>T, p.Gln620Ter (NM_001174090.2); c.1615C>T, p.Gln539Ter (NM_001363745.2); c.1777C>T, p.Gln593Ter (NM_032034.4); short protein forms Q577*, Q593*, Q620*, Q539*.
Identifiers: ClinVar variation 960560 (VCV000960560.8), dbSNP rs2067679756, ClinGen allele CA408087842.